The following is an entry in ClinVar:

NM_000287.4(PEX6):c.2074C>T (p.Gln692Ter)

Gene: PEX6 (peroxisomal biogenesis factor 6; minus strand). Cytogenetic location: 6p21.1.
Variant type: single nucleotide variant.
Coding change: c.2074C>T on transcript NM_000287.4 (MANE Select); coding-DNA position 2074, C replaced by T.
Protein change: p.Gln692Ter; replaces glutamine 692 with a stop codon.
Molecular consequence: nonsense. On other transcripts: non-coding transcript variant (1).
Genome position (GRCh38, 1-based): chr6:42,966,545, G>A on the plus strand (C>T on the coding strand, the complement: PEX6 is on the minus strand). VCF-style: chr6-42966545-G-A. GRCh37 (hg19) VCF-style: chr6-42934283-G-A.
Other names: c.1810C>T, p.Gln604Ter (NM_001316313.2); short protein forms Q692*, Q604*.
Identifiers: ClinVar variation 643229 (VCV000643229.8), dbSNP rs201306028, ClinGen allele CA138223442.

ClinVar aggregate classification (germline): Pathogenic/Likely pathogenic. Review status: criteria provided, multiple submitters, no conflicts (2 of 4 stars). 2 submissions from 2 submitters: Pathogenic (1); Likely pathogenic (1). Last evaluated 2025-02-13.

Conditions:
Heimler syndrome 2 (HMLR2). Also called: PEROXISOME BIOGENESIS DISORDER 4C. Identifiers: Orphanet 3220, MedGen C4225267, OMIM 616617, MONDO:0014709.
Peroxisome biogenesis disorder. Identifiers: Orphanet 79189, MedGen C1832200, MONDO:0019234. Disease mechanism: loss of function.

Submissions (2):

Labcorp Genetics (formerly Invitae), Labcorp
Classification: Pathogenic for Peroxisome biogenesis disorder. Last evaluated: 2025-02-13. Review status: criteria provided, single submitter. Criteria: Invitae Variant Classification Sherloc (09022015). Collection method: clinical testing. Allele origin: germline.
Comment: This sequence change creates a premature translational stop signal (p.Gln692*) in the PEX6 gene. It is expected to result in an absent or disrupted protein product. Loss-of-function variants in PEX6 are known to be pathogenic (PMID: 10408779, 21031596, 31831025). This variant is not present in population databases (gnomAD no frequency). This variant has not been reported in the literature in individuals affected with PEX6-related conditions. ClinVar contains an entry for this variant (Variation ID: 643229). For these reasons, this variant has been classified as Pathogenic.

Baylor Genetics
Classification: Likely pathogenic for Heimler syndrome 2. Last evaluated: 2023-07-10. Review status: criteria provided, single submitter. Criteria: ACMG Guidelines, 2015. Collection method: clinical testing. Allele origin: unknown.

Literature cited by the submitters: PubMed 10408779 (cited by Labcorp Genetics (formerly Invitae), Labcorp); PubMed 21031596 (cited by Labcorp Genetics (formerly Invitae), Labcorp); PubMed 31831025 (cited by Labcorp Genetics (formerly Invitae), Labcorp).